The following is an entry in ClinVar:

NM_024577.4(SH3TC2):c.1546A>T (p.Lys516Ter)

Gene: SH3TC2 (SH3 domain and tetratricopeptide repeats 2; minus strand). Cytogenetic location: 5q32.
Variant type: single nucleotide variant.
Coding change: c.1546A>T on transcript NM_024577.4 (MANE Select); coding-DNA position 1546, A replaced by T.
Protein change: p.Lys516Ter; replaces lysine 516 with a stop codon.
Molecular consequence: nonsense.
Genome position (GRCh38, 1-based): chr5:149,028,186, T>A on the plus strand (A>T on the coding strand, the complement: SH3TC2 is on the minus strand). VCF-style: chr5-149028186-T-A. GRCh37 (hg19) VCF-style: chr5-148407749-T-A.
Other names: short protein forms K516*.
Identifiers: ClinVar variation 1076119 (VCV001076119.9), dbSNP rs2127397561, ClinGen allele CA361668285.

ClinVar aggregate classification (germline): Pathogenic (1 of 4 stars; one submission).

Conditions:
Charcot-Marie-Tooth disease type 4. Also called: Charcot-Marie-Tooth, Type 4; Charcot-Marie-Tooth disease, type IV. Identifiers: Orphanet 64749, MedGen C4082197, MONDO:0018995.

Submission:

Labcorp Genetics (formerly Invitae), Labcorp
Classification: Pathogenic for Charcot-Marie-Tooth disease type 4. Last evaluated: 2020-10-14. Review status: criteria provided, single submitter. Criteria: Invitae Variant Classification Sherloc (09022015). Collection method: clinical testing. Allele origin: germline.
Comment: This variant is not present in population databases (ExAC no frequency). This sequence change creates a premature translational stop signal (p.Lys516*) in the SH3TC2 gene. It is expected to result in an absent or disrupted protein product. This variant has been observed in individual(s) with clinical features of SH3TC2-related conditions (PMID: 31692161). For these reasons, this variant has been classified as Pathogenic. Loss-of-function variants in SH3TC2 are known to be pathogenic (PMID: 20220177, 27068304).

Literature cited by the submitters: PubMed 31692161; PubMed 20220177; PubMed 27068304.